The following is an entry in ClinVar:

ClinVar aggregate classification (germline): Uncertain significance. Review status: criteria provided, multiple submitters, no conflicts (2 of 4 stars). 2 submissions from 2 submitters: Uncertain significance (2). Last evaluated 2025-05-18.

Conditions:
Hereditary cancer-predisposing syndrome. Also called: Neoplastic Syndromes, Hereditary; Hereditary Cancer Syndrome; Tumor predisposition; Hereditary neoplastic syndrome. Identifiers: Orphanet 140162, MedGen C0027672, MeSH D009386, MONDO:0015356.

Submissions (2):

Labcorp Genetics (formerly Invitae), Labcorp
Classification: Uncertain significance. Last evaluated: 2025-05-18. Review status: criteria provided, single submitter. Criteria: Invitae Variant Classification Sherloc (09022015). Collection method: clinical testing. Allele origin: germline.
Comment: This sequence change replaces glutamic acid, which is acidic and polar, with lysine, which is basic and polar, at codon 26 of the CTNNA1 protein (p.Glu26Lys). This variant is not present in population databases (gnomAD no frequency). This variant has not been reported in the literature in individuals affected with CTNNA1-related conditions. ClinVar contains an entry for this variant (Variation ID: 2448336). Invitae Evidence Modeling of protein sequence and biophysical properties (such as structural, functional, and spatial information, amino acid conservation, physicochemical variation, residue mobility, and thermodynamic stability) indicates that this missense variant is not expected to disrupt CTNNA1 protein function with a negative predictive value of 80%. In summary, the available evidence is currently insufficient to determine the role of this variant in disease. Therefore, it has been classified as a Variant of Uncertain Significance.

Ambry Genetics
Classification: Uncertain significance for Hereditary cancer-predisposing syndrome. Last evaluated: 2022-12-12. Review status: criteria provided, single submitter. Criteria: Ambry Variant Classification Scheme 2023. Collection method: clinical testing. Allele origin: germline.
Comment: The p.E26K variant (also known as c.76G>A), located in coding exon 1 of the CTNNA1 gene, results from a G to A substitution at nucleotide position 76. The glutamic acid at codon 26 is replaced by lysine, an amino acid with similar properties. This amino acid position is conserved. In addition, this alteration is predicted to be deleterious by in silico analysis. Since supporting evidence is limited at this time, the clinical significance of this alteration remains unclear.

NM_001903.5(CTNNA1):c.76G>A (p.Glu26Lys)

Gene: CTNNA1 (catenin alpha 1; plus strand). Cytogenetic location: 5q31.2.
Variant type: single nucleotide variant.
Coding change: c.76G>A on transcript NM_001903.5 (MANE Select); coding-DNA position 76, G replaced by A.
Protein change: p.Glu26Lys; replaces glutamic acid 26 with lysine.
Molecular consequence: missense variant. On other transcripts: 5 prime UTR variant (2).
Genome position (GRCh38, 1-based): chr5:138,782,000, G>A. VCF-style: chr5-138782000-G-A. GRCh37 (hg19) VCF-style: chr5-138117689-G-A.
Other names: c.76G>A, p.Glu26Lys (NM_001290307.3, NM_001323982.2, NM_001323983.1 and 3 more transcripts); c.-38G>A (NM_001290309.3); c.-131G>A (NM_001290310.3); short protein forms E26K.
Identifiers: ClinVar variation 2448336 (VCV002448336.3), dbSNP rs2532170810, ClinGen allele CA361477182.